The following is an entry in ClinVar:

NM_000888.5(ITGB6):c.1255G>C (p.Val419Leu)

Gene: ITGB6 (integrin subunit beta 6; minus strand). Cytogenetic location: 2q24.2.
Variant type: single nucleotide variant.
Coding change: c.1255G>C on transcript NM_000888.5 (MANE Select); coding-DNA position 1255, G replaced by C.
Protein change: p.Val419Leu; replaces valine 419 with leucine.
Molecular consequence: missense variant.
Genome position (GRCh38, 1-based): chr2:160,137,839, C>G on the plus strand (G>C on the coding strand, the complement: ITGB6 is on the minus strand). VCF-style: chr2-160137839-C-G. GRCh37 (hg19) VCF-style: chr2-160994350-C-G.
Other names: c.1255G>C, p.Val419Leu (NM_001282353.2, NM_001282355.2); c.970G>C, p.Val324Leu (NM_001282354.2); c.1129G>C, p.Val377Leu (NM_001282388.2); c.1036G>C, p.Val346Leu (NM_001282389.2); c.841G>C, p.Val281Leu (NM_001282390.2); c.1255G>C (NM_000888.4); short protein forms V346L, V377L, V324L, V419L, V281L.
Identifiers: ClinVar variation 4088524 (VCV004088524.2).

ClinVar aggregate classification (germline): Uncertain significance. Review status: criteria provided, multiple submitters, no conflicts (2 of 4 stars). 2 submissions from 2 submitters: Uncertain significance (2). Last evaluated 2025-09-10.

Conditions:
Inborn genetic diseases. Identifiers: MedGen C0950123, MeSH D030342.

gnomAD v4.1: 32 of 1,612,908 alleles (0.002%); highest among the groups gnomAD compares: Non-Finnish European, 0.0026%; no homozygotes.

Submissions (2):

Ambry Genetics
Classification: Uncertain significance for Inborn genetic diseases. Last evaluated: 2025-09-10. Review status: criteria provided, single submitter. Criteria: Ambry Variant Classification Scheme 2023. Collection method: clinical testing. Allele origin: germline.

GeneDx
Classification: Uncertain significance. Last evaluated: 2025-06-10. Review status: criteria provided, single submitter. Criteria: GeneDx Variant Classification Process June 2021. Collection method: clinical testing. Allele origin: germline. Affected: yes.
Comment: Has not been previously published as pathogenic or benign to our knowledge; Not observed at significant frequency in large population cohorts (gnomAD); In silico analysis suggests that this missense variant does not alter protein structure/function